The following is an entry in ClinVar:

ClinVar aggregate classification (germline): Benign/Likely benign. Review status: criteria provided, multiple submitters, no conflicts (2 of 4 stars). 14 submissions from 14 submitters: Benign (8); Likely benign (3). 3 of the submissions do not count toward it. Last evaluated 2026-02-03.

Conditions:
Arrhythmogenic right ventricular cardiomyopathy (ARVD). Also called: Cardiomyopathy, ARVC; Arrhythmogenic Right Ventricular Cardiomyopathy (ARVC); Arrhythmogenic right ventricular dysplasia; Arrhythmogenic cardiomyopathy. Identifiers: Orphanet 247, MedGen C0349788, MeSH D019571, MONDO:0016587. Disease mechanism: loss of function. Inheritance: Various modes of inheritance.
Cardiomyopathy (CMYO). Also called: Cardiomyopathies. Identifiers: Orphanet 167848, MedGen C0878544, MONDO:0004994, HP:0001638. Inheritance: Various modes of inheritance.
Arrhythmogenic right ventricular dysplasia 9 (ARVD9). Also called: Arrhythmogenic Right Ventricular Dysplasia/Cardiomyopathy 9; ARRHYTHMOGENIC RIGHT VENTRICULAR DYSPLASIA, FAMILIAL, 9. Identifiers: MedGen C1836906, MONDO:0012180, OMIM 609040.

Allele frequency attached by ClinVar (database versions not stated): gnomAD exomes 0.00022; ExAC 0.00058; 1000 Genomes Project 0.00140; 1000 Genomes Project 30x 0.00141; gnomAD 0.00192 and 0.00208; ESP Exome Variant Server 0.00200; TOPMed 0.00208.
gnomAD v4.1: 626 of 1,614,166 alleles (0.039%); highest among the groups gnomAD compares: African/African-American, 0.73%; 3 homozygotes.

Submissions (14):

Labcorp Genetics (formerly Invitae), Labcorp
Classification: Benign for Arrhythmogenic right ventricular dysplasia 9. Last evaluated: 2026-02-03. Review status: criteria provided, single submitter. Criteria: Invitae Variant Classification Sherloc (09022015). Collection method: clinical testing. Allele origin: germline.

Molecular Diagnostic Laboratory for Inherited Cardiovascular Disease, Montreal Heart Institute
Classification: Benign. Last evaluated: 2025-04-09. Review status: criteria provided, single submitter. Criteria: ACMG Guidelines, 2015. Collection method: clinical testing. Allele origin: germline. Affected: no.

Blueprint Genetics
Classification: Likely benign. Last evaluated: 2024-09-11. Review status: criteria provided, single submitter. Criteria: ACMG Guidelines, 2015. Collection method: clinical testing. Allele origin: germline.

All of Us Research Program, National Institutes of Health
Classification: Benign for Arrhythmogenic right ventricular cardiomyopathy. Last evaluated: 2024-02-05. Review status: criteria provided, single submitter. Criteria: ACMG Guidelines, 2015. Collection method: clinical testing. Allele origin: germline. Inheritance: Autosomal dominant inheritance. Observed: 117 variant alleles, 117 heterozygotes.
Comment: This study involves interpretation of variants in research participants for the purpose of population health screening. Participant phenotype was not available at the time of variant classification. Additional details can be found in publication PMID: 35346344, PMCID: PMC8962531

Color Diagnostics, LLC DBA Color Health
Classification: Benign for Cardiomyopathy. Last evaluated: 2018-11-08. Review status: criteria provided, single submitter. Criteria: ACMG Guidelines, 2015. Collection method: clinical testing. Allele origin: germline.

Women's Health and Genetics/Laboratory Corporation of America, LabCorp
Classification: Benign. Last evaluated: 2018-06-25. Review status: criteria provided, single submitter. Criteria: LabCorp Variant Classification Summary - May 2015. Collection method: clinical testing. Allele origin: germline.
Comment: Variant summary: PKP2 c.972G>A alters a non-conserved nucleotide resulting in a synonymous change. 5/5 computational tools predict no significant impact on normal splicing. However, these predictions have yet to be confirmed by functional studies. The observed variant frequency within African control individuals in the gnomAD database is approximately 13.5 fold of the estimated maximal expected allele frequency for a pathogenic variant in PKP2 causing Arrhythmia phenotype (0.00043), strongly suggesting that the variant is a benign polymorphism found primarily in populations of African origin. To our knowledge, no occurrence of c.972G>A in individuals affected with Arrhythmia and no experimental evidence demonstrating its impact on protein function have been reported. One clinical diagnostic laboratory has submitted clinical-significance assessments for this variant to ClinVar after 2014 without evidence for independent evaluation and classified the variant as benign. Based on the evidence outlined above, the variant was classified as benign.

Illumina Laboratory Services, Illumina
Classification: Likely benign for Arrhythmogenic right ventricular dysplasia 9. Last evaluated: 2018-01-13. Review status: criteria provided, single submitter. Criteria: ICSL Variant Classification Criteria 13 December 2019. Collection method: clinical testing. Allele origin: germline.
Comment: This variant was observed in the ICSL laboratory as part of a predisposition screen in an ostensibly healthy population. It had not been previously curated by ICSL or reported in the Human Gene Mutation Database (HGMD: prior to June 1st, 2018), and was therefore a candidate for classification through an automated scoring system. Utilizing variant allele frequency, disease prevalence and penetrance estimates, and inheritance mode, an automated score was calculated to assess if this variant is too frequent to cause the disease. Based on the score and internal cut-off values, a variant classified as likely benign is not then subjected to further curation. The score for this variant resulted in a classification of likely benign for this disease.

CHEO Genetics Diagnostic Laboratory, Children's Hospital of Eastern Ontario
Classification: Benign for Cardiomyopathy. Last evaluated: 2017-04-21. Review status: criteria provided, single submitter. Criteria: ACMG Guidelines, 2015. Collection method: clinical testing. Allele origin: germline. Study: Canadian Open Genetics Repository.

GeneDx
Classification: Benign. Last evaluated: 2014-09-09. Review status: criteria provided, single submitter. Criteria: GeneDx Variant Classification (06012015). Collection method: clinical testing. Allele origin: germline. Affected: yes.
Comment: This variant is considered likely benign or benign based on one or more of the following criteria: it is a conservative change, it occurs at a poorly conserved position in the protein, it is predicted to be benign by multiple in silico algorithms, and/or has population frequency not consistent with disease.

Laboratory for Molecular Medicine, Mass General Brigham Personalized Medicine
Classification: Benign. Last evaluated: 2013-01-13. Review status: criteria provided, single submitter. Criteria: LMM Criteria. Collection method: clinical testing. Allele origin: germline. Observed: 3 variant alleles.
Comment: Ala324Ala in exon 3 of PKP2: This variant is not expected to have clinical signi ficance because it does not alter an amino acid residue and is not located withi n the splice consensus sequence. It has been identified in 0.6% (25/4406) of Afr ican American chromosomes from a broad population by the NHLBI Exome Sequencing Project (dbSNP rs142636176).

Breakthrough Genomics
Classification: Likely benign. Review status: criteria provided, single submitter. Criteria: ACMG Guidelines, 2015. Collection method: not provided. Allele origin: germline. Inheritance: Autosomal dominant inheritance. Affected: yes.

Clinical Genetics DNA and cytogenetics Diagnostics Lab, Erasmus MC, Erasmus Medical Center
Classification: Likely benign. Review status: no assertion criteria provided. Collection method: clinical testing. Allele origin: germline. Affected: yes. Study: VKGL Data-share Consensus. Not counted in ClinVar's aggregate classification.

Clinical Genetics, Academic Medical Center
Classification: Benign. Review status: no assertion criteria provided. Collection method: clinical testing. Allele origin: germline. Affected: yes. Study: VKGL Data-share Consensus. Not counted in ClinVar's aggregate classification.

Diagnostic Laboratory, Department of Genetics, University Medical Center Groningen
Classification: Likely benign. Review status: no assertion criteria provided. Collection method: clinical testing. Allele origin: germline. Affected: yes. Study: VKGL Data-share Consensus. Not counted in ClinVar's aggregate classification.

NM_001005242.3(PKP2):c.972G>A (p.Ala324=)

Gene: PKP2 (plakophilin 2; minus strand). Cytogenetic location: 12p11.21.
Variant type: single nucleotide variant.
Coding change: c.972G>A on transcript NM_001005242.3 (MANE Select); coding-DNA position 972, G replaced by A.
Protein change: p.Ala324=; no amino-acid change (alanine 324 retained).
Molecular consequence: synonymous variant.
Genome position (GRCh38, 1-based): chr12:32,877,908, C>T on the plus strand (G>A on the coding strand, the complement: PKP2 is on the minus strand). VCF-style: chr12-32877908-C-T. GRCh37 (hg19) VCF-style: chr12-33030842-C-T.
Other names: p.A324A:GCG>GCA; c.972G>A, p.Ala324= (NM_004572.4).
Identifiers: ClinVar variation 45092 (VCV000045092.33), dbSNP rs142636176, ClinGen allele CA012613.